The following is an entry in ClinVar:

NM_001369.3(DNAH5):c.12209C>T (p.Thr4070Ile)

Gene: DNAH5 (dynein axonemal heavy chain 5; minus strand). Cytogenetic location: 5p15.2.
Variant type: single nucleotide variant.
Coding change: c.12209C>T on transcript NM_001369.3 (MANE Select); coding-DNA position 12209, C replaced by T.
Protein change: p.Thr4070Ile; replaces threonine 4070 with isoleucine.
Molecular consequence: missense variant.
Genome position (GRCh38, 1-based): chr5:13,721,070, G>A on the plus strand (C>T on the coding strand, the complement: DNAH5 is on the minus strand). VCF-style: chr5-13721070-G-A. GRCh37 (hg19) VCF-style: chr5-13721179-G-A.
Other names: short protein forms T4070I.
Identifiers: ClinVar variation 228608 (VCV000228608.14), dbSNP rs746662023, ClinGen allele CA3201712.

ClinVar aggregate classification (germline): Conflicting classifications of pathogenicity. Review status: criteria provided, conflicting classifications (1 of 4 stars). 4 submissions from 4 submitters: Uncertain significance (1); Likely benign (2). 1 of the submissions does not count toward it. Last evaluated 2025-10-21.

Conditions:
Primary ciliary dyskinesia. Also called: Ciliary dyskinesia. Identifiers: Orphanet 244, MedGen C0008780, MONDO:0016575, HP:0012265.

Allele frequency attached by ClinVar (database versions not stated): TOPMed 0.00009; ExAC 0.00014; gnomAD exomes 0.00021 and 0.00004; gnomAD 0.00003 and 0.00004.
gnomAD v4.1: 69 of 1,614,002 alleles (0.0043%); highest among the groups gnomAD compares: Admixed American, 0.11%; no homozygotes.

Submissions (4):

Labcorp Genetics (formerly Invitae), Labcorp
Classification: Likely benign for Primary ciliary dyskinesia. Last evaluated: 2025-10-21. Review status: criteria provided, single submitter. Criteria: Invitae Variant Classification Sherloc (09022015). Collection method: clinical testing. Allele origin: germline.

Ambry Genetics
Classification: Likely benign for Primary ciliary dyskinesia. Last evaluated: 2022-05-11. Review status: criteria provided, single submitter. Criteria: Ambry Variant Classification Scheme 2023. Collection method: clinical testing. Allele origin: germline.

Laboratory for Molecular Medicine, Mass General Brigham Personalized Medicine
Classification: Uncertain significance. Last evaluated: 2015-09-16. Review status: criteria provided, single submitter. Criteria: LMM Criteria. Collection method: clinical testing. Allele origin: germline. Observed: 1 variant allele.
Comment: Variant classified as Uncertain Significance - Favor Benign. The p.Thr40470Ile v ariant in DNAH5 has not been previously reported in individuals with pulmonary d isease, but has been identified in 0.15% (17/11564) of Latino chromosomes by the Exome Aggregation Consortium (ExAC). Computatio nal prediction tools and conservation analysis do not provide strong support for or against an impact to the protein. In summary, while the clinical significanc e of the p.Thr40470Ile variant is uncertain, its frequency suggests that it is m ore likely to be benign.

Natera, Inc.
Classification: Uncertain significance for Primary ciliary dyskinesia. Last evaluated: 2019-10-28. Review status: no assertion criteria provided. Collection method: clinical testing. Allele origin: germline. Not counted in ClinVar's aggregate classification.